The following is an entry in ClinVar:

NM_181783.4(TMTC3):c.2687_2691del (p.Lys896fs)

Gene: TMTC3 (transmembrane O-mannosyltransferase targeting cadherins 3; plus strand). Cytogenetic location: 12q21.32.
Variant type: Deletion.
Coding change: c.2687_2691del on transcript NM_181783.4 (MANE Select); coding-DNA positions 2687 to 2691, 5 bases deleted (AAAGA; older notation c.2687_2691delAAAGA).
Protein change: p.Lys896fs; shifts the reading frame from lysine 896.
Molecular consequence: frameshift variant. On other transcripts: non-coding transcript variant (1).
Genome position (GRCh38, 1-based): chr12:88,195,591-88,195,595, AAAGA deleted; deleting any 5 consecutive bases within chr12:88,195,587-88,195,595 gives the same sequence; the c. name uses the placement nearest the transcript's 3' end. VCF-style (leftmost placement, unchanged base first): chr12-88195586-GAAGAA-G. GRCh37 (hg19) VCF-style: chr12-88589363-GAAGAA-G.
Other names: c.2507_2511del, p.Lys836fs (NM_001366574.1); c.2468_2472del, p.Lys823fs (NM_001366579.1); c.2420_2424del, p.Lys807fs (NM_001366580.1); c.1994_1998del, p.Lys665fs (NM_001366583.1); short protein forms K665fs, K807fs, K836fs, K823fs, K896fs.
Identifiers: ClinVar variation 504004 (VCV000504004.2), dbSNP rs747901806, ClinGen allele CA6713518.

ClinVar aggregate classification (germline): Uncertain significance (1 of 4 stars; one submission).

Submission:

GeneDx
Classification: Uncertain significance. Last evaluated: 2018-01-05. Review status: criteria provided, single submitter. Criteria: GeneDx Variant Classification (06012015). Collection method: clinical testing. Allele origin: germline. Affected: yes.
Comment: The c.2687_2691delAAAGA variant in the TMTC3 gene has not been reported previously as a pathogenic variant nor as a benign variant, to our knowledge. The c.2687_2691delAAAGA variant causes a frameshift starting with codon Lysine 896, changes this amino acid to a Serine residue, and creates a premature Stop codon at position 11 of the new reading frame, denoted p.Lys896SerfsX11. This variant is predicted to cause loss of normal protein function through protein truncation. The c.2687_2691delAAAGA variant is not observed in large population cohorts (Lek et al., 2016). We interpret c.2687_2691delAAAGA as a variant of uncertain significance.